The following is an entry in ClinVar:

NM_001184880.2(PCDH19):c.1019A>G (p.Asn340Ser)

Gene: PCDH19 (protocadherin 19; minus strand). Cytogenetic location: Xq22.1.
Variant type: single nucleotide variant.
Coding change: c.1019A>G on transcript NM_001184880.2 (MANE Select); coding-DNA position 1019, A replaced by G.
Protein change: p.Asn340Ser; replaces asparagine 340 with serine.
Molecular consequence: missense variant.
Genome position (GRCh38, 1-based): chrX:100,407,579, T>C on the plus strand (A>G on the coding strand, the complement: PCDH19 is on the minus strand). VCF-style: chrX-100407579-T-C. GRCh37 (hg19) VCF-style: chrX-99662577-T-C.
Other names: p.N340S:AAT>AGT; c.1019A>G, p.Asn340Ser (NM_001105243.2, NM_020766.3); short protein forms N340S.
Identifiers: ClinVar variation 206364 (VCV000206364.58), dbSNP rs796052839, ClinGen allele CA316418.

ClinVar aggregate classification (germline): Pathogenic. Review status: criteria provided, multiple submitters, no conflicts (2 of 4 stars). 14 submissions from 14 submitters: Pathogenic (12). 2 of the submissions do not count toward it. Last evaluated 2025-07-28.

Conditions:
PCDH19-related disorder. Also called: PCDH19-related condition.
PCDH19-related epilepsy syndrome.
Inborn genetic diseases. Identifiers: MedGen C0950123, MeSH D030342.
Epilepsy. Also called: Seizure disorder. Identifiers: MedGen C0014544, MeSH D004827, MONDO:0005027.
Developmental and epileptic encephalopathy, 9 (DEE9). Also called: EPILEPSY, FEMALE-RESTRICTED, WITH MENTAL RETARDATION; JUBERG-HELLMAN SYNDROME; PCDH19-Related X-Linked Female-Limited Epilepsy with Mental Retardation; Early infantile epileptic encephalopathy 9. Identifiers: Orphanet 101039, Orphanet 2076, MedGen C1848137, MONDO:0010246, OMIM 300088. Disease mechanism: loss of function.

Submissions 1 to 11 of 14:

Dasa
Classification: Pathogenic. Last evaluated: 2025-07-28. Review status: criteria provided, single submitter. Criteria: DASA Assertion Criteria. Collection method: clinical testing. Allele origin: germline.
Comment: NM_001184880.2(PCDH19):c.1019A>G (p.Asn340Ser) is a missense variant that results in the substitution of asparagine with serine. The affected residue or protein region has prior evidence supporting clinical relevance. De novo occurrence has been reported in an individual with related phenotype. Segregation evidence has been reported in affected families. Functional evidence supports a deleterious effect on the gene or gene product. This variant has been reported in individuals with related phenotype. Multiple computational predictions support a deleterious effect on the gene or gene product. The variant is present at low frequency in population datasets. Based on the available data, this variant is classified as pathogenic.

Labcorp Genetics (formerly Invitae), Labcorp
Classification: Pathogenic for Developmental and epileptic encephalopathy, 9. Last evaluated: 2025-05-07. Review status: criteria provided, single submitter. Criteria: Invitae Variant Classification Sherloc (09022015). Collection method: clinical testing. Allele origin: germline.
Comment: This sequence change replaces asparagine, which is neutral and polar, with serine, which is neutral and polar, at codon 340 of the PCDH19 protein (p.Asn340Ser). This variant is not present in population databases (gnomAD no frequency). This missense change has been observed in individual(s) with early onset severe seizures (PMID: 2267240, 19214208, 20713952, 21480887, 22848613, 22946748, 23334464, 27527380). In at least one individual the variant was observed to be de novo. It has also been observed to segregate with disease in related individuals. ClinVar contains an entry for this variant (Variation ID: 206364). Invitae Evidence Modeling of protein sequence and biophysical properties (such as structural, functional, and spatial information, amino acid conservation, physicochemical variation, residue mobility, and thermodynamic stability) indicates that this missense variant is expected to disrupt PCDH19 protein function with a positive predictive value of 95%. For these reasons, this variant has been classified as Pathogenic.

3billion
Classification: Pathogenic for Developmental and epileptic encephalopathy, 9. Last evaluated: 2025-04-24. Review status: criteria provided, single submitter. Criteria: ACMG Guidelines, 2015. Collection method: clinical testing. Allele origin: germline. Affected: yes.
Comment: The variant is not observed in the gnomAD v4.1.0 dataset. Predicted Consequence/Location: Missense variant. In silico tool predictions suggest damaging effect of the variant on gene or gene product [REVEL: 0.70 (>=0.6, sensitivity 0.68 and specificity 0.92); 3Cnet: 0.96 (> 0.75, sensitivity 0.96 and precision 0.92)]. The same nucleotide change resulting in the same amino acid change has been previously reported as pathogenic/likely pathogenic with strong evidence (ClinVar ID: VCV000206364 / PMID: 19214208 / 3billion dataset). The variant has been previously reported as de novo in at least two similarly affected unrelated individuals (PMID: 21480887, 22946748, 27527380). The variant has been observed in multiple (>3) similarly affected unrelated individuals (PMID: 21480887, 22946748, 27527380). Different missense changes at the same codon (p.Asn340Asp, p.Asn340Lys, p.Asn340Thr, p.Asn340Tyr) have been reported as pathogenic/likely pathogenic with strong evidence (ClinVar ID: VCV000429996, VCV000520677 / PMID: 29377098, 32366910, 35586607). Therefore, this variant is classified as Pathogenic according to the recommendation of ACMG/AMP guideline.

Rady Children's Institute for Genomic Medicine, Rady Children's Hospital San Diego
Classification: Pathogenic for PCDH19-related epilepsy syndrome. Last evaluated: 2024-01-24. Review status: criteria provided, single submitter. Criteria: ACMG Guidelines, 2015. Collection method: clinical testing. Allele origin: germline. Affected: yes.
Comment: The c.1019A>G (p.Asn340Ser) variant affects a highly conserved amino acid and is predicted by multiple in silico tools to have a deleterious effect on protein function. This is a recurrent Pathogenic variant that has been previously reported as a de novo heterozygous and inherited heterozygous change in patients with PCDH19-related epilepsy and Dravet-like syndrome (PMID: 19214208, 21480887, 27527380, 32366910, 29377098, 30451291, 31302675, 32005694, 33399642, 35231114, 35359639). Different amino acid changes at the same residue (p.Asn340Lys and p.Asn340Asp) have been previously reported in individuals with PCDH10-related epilepsy (PMID: 32366910, 29377098, 35586607, 37095367). Functional studies showed that the c.1019A>G (p.Asn340Ser) variant affects cell adhesion in vitro and causes abnormal cell sorting in the cortical tissue in vivo (PMID: 29301106). The c.1019A>G (p.Asn340Ser) variant is absent from the gnomAD population database and thus is presumed to be rare. Based on the available evidence, c.1019A>G (p.Asn340Ser) is classified as Pathogenic.

Center of Medical Genomics-TUH, Thammasat University
Classification: Pathogenic for epilepsy. Last evaluated: 2023-07-23. Review status: criteria provided, single submitter. Criteria: ACMG 2015 Guidelines. Collection method: clinical testing. Allele origin: de novo. Affected: yes. Observed: 1 heterozygote. Segregation with disease not observed.

Neuberg Centre For Genomic Medicine, NCGM
Classification: Pathogenic for Developmental and epileptic encephalopathy, 9. Last evaluated: 2023-03-01. Review status: criteria provided, single submitter. Criteria: ACMG Guidelines, 2015. Collection method: clinical testing. Allele origin: germline. Inheritance: X-linked dominant inheritance. Affected: yes.
Comment: The missense variant c.1019A>G (p.Asn340Ser) in the PCDH19 gene has been has been observed in individual(s) with early onset severe seizures. In at least one individual the variant was observed to be de novo. It has also been observed to segregate with disease in related individuals (Liu A, et al., 2017; van Harssel JJ, et al., 2013). Assessment of experimental evidence suggests this variant results in abnormal protein function. This variant showed drastically altered cell adhesion properties and abnormal cell type sorting (Pederick DT, et al., 2018). The variant is novel (not in any individuals) in gnomAD Exomes and 1000 Genomes. It is submitted to ClinVar as Pathogenic. The amino acid Asn at position 340 is changed to a Ser changing protein sequence and it might alter its composition and physico-chemical properties. The variant is predicted as damaging by SIFT. The residue is conserved by GERP++ and PhyloP across 100 vertebrates. For these reasons, this variant has been classified as Pathogenic.

Laboratory of Medical Genetics, National & Kapodistrian University of Athens
Classification: Pathogenic for Developmental and epileptic encephalopathy, 9. Last evaluated: 2022-09-08. Review status: criteria provided, single submitter. Criteria: ACMG Guidelines, 2015. Collection method: clinical testing. Allele origin: germline. Affected: yes.
Comment: PM1, PM2, PM5, PP2, PP3, PP5

GeneDx
Classification: Pathogenic. Last evaluated: 2022-02-15. Review status: criteria provided, single submitter. Criteria: GeneDx Variant Classification Process June 2021. Collection method: clinical testing. Allele origin: germline. Affected: yes.
Comment: Published functional studies demonstrate a damaging effect, including reduced thermostability and lack of adhesive function (Pederick et al., 2018); Not observed at significant frequency in large population cohorts (gnomAD); In silico analysis supports that this missense variant has a deleterious effect on protein structure/function; Missense variants in this gene are often considered pathogenic (HGMD); This variant is associated with the following publications: (PMID: 22949144, 21519002, 27787195, 22946748, 22050978, 22848613, 19214208, 21480887, 22267240, 27527380, 27143072, 29377098, 29064093, 29301106, 29892053, 30287595, 30451291, 31302675, 34082468, 33262389, 32005694, 33399642, 23334464, 20713952, 2267240)

CeGaT Center for Human Genetics Tuebingen
Classification: Pathogenic. Last evaluated: 2022-01-01. Review status: criteria provided, single submitter. Criteria: CeGaT Center For Human Genetics Tuebingen Variant Classification Criteria Version 2. Collection method: clinical testing. Allele origin: germline. Affected: yes. Observed: 1 variant allele.

Athena Diagnostics
Classification: Pathogenic. Last evaluated: 2021-07-19. Review status: criteria provided, single submitter. Criteria: Athena Diagnostics Criteria. Collection method: clinical testing. Allele origin: unknown.
Comment: This variant has not been reported in large, multi-ethnic general populations. This variant has been identified and confirmed to occur de novo in multiple individuals with clinical features associated with this gene. Assessment of experimental evidence suggests this variant results in abnormal protein function. This variant showed drastically altered cell adhesion properties and abnormal cell type sorting (PMID: 29301106).

Blueprint Genetics
Classification: Pathogenic for PCDH19-related disorders. Last evaluated: 2019-09-19. Review status: criteria provided, single submitter. Criteria: ACMG Guidelines, 2015. Collection method: clinical testing. Allele origin: germline. Affected: yes. Observed: 1 variant allele.